The following is an entry in ClinVar:

NM_007294.4(BRCA1):c.1377_1378del (p.Lys459fs)

Gene: BRCA1 (BRCA1 DNA repair associated; minus strand). Cytogenetic location: 17q21.31.
Variant type: Deletion.
Coding change: c.1377_1378del on transcript NM_007294.4 (MANE Select); coding-DNA positions 1377 to 1378, 2 bases deleted (AA; older notation c.1377_1378delAA).
Protein change: p.Lys459fs; shifts the reading frame from lysine 459.
Molecular consequence: frameshift variant. On other transcripts: intron variant (137).
Genome position (GRCh38, 1-based): chr17:43,094,153-43,094,154, TT deleted on the plus strand (AA on the coding strand, the reverse complement: BRCA1 is on the minus strand); deleting any 2 consecutive bases within chr17:43,094,153-43,094,156 gives the same sequence; the c. name uses the placement nearest the transcript's 3' end. VCF-style (leftmost placement, unchanged base first): chr17-43094152-ATT-A. GRCh37 (hg19) VCF-style: chr17-41246169-ATT-A.
Other names: 1496delAA; c.1164_1165del, p.Lys388fs (NM_001407571.1, NM_001407853.1, NM_001407894.1 and 9 more transcripts); c.1377_1378del, p.Lys459fs (NM_001407581.1, NM_001407582.1, NM_001407583.1 and 30 more transcripts); c.1374_1375del, p.Lys458fs (NM_001407587.1, NM_001407590.1, NM_001407591.1 and 22 more transcripts); c.1368_1369del, p.Lys456fs (NM_001407646.1, NM_001407647.1); c.1254_1255del, p.Lys418fs (NM_001407648.1, NM_001407664.1, NM_001407665.1 and 19 more transcripts); c.1251_1252del, p.Lys417fs (NM_001407649.1, NM_001407670.1, NM_001407671.1 and 11 more transcripts); c.1299_1300del, p.Lys433fs (NM_001407653.1, NM_001407654.1, NM_001407655.1 and 4 more transcripts); and 42 more; short protein forms K459fs, K412fs, K163fs, K348fs, K370fs, K388fs, K417fs, K332fs.
Identifiers: ClinVar variation 91550 (VCV000091550.13), dbSNP rs398122633, ClinGen allele CA000914.

ClinVar aggregate classification (germline): Pathogenic. Review status: reviewed by expert panel (3 of 4 stars). 4 submissions from 4 submitters: Pathogenic (1). 3 of the submissions do not count toward it. Last evaluated 2016-09-08.

Conditions:
Hereditary breast ovarian cancer syndrome. Also called: BRCA1- and BRCA2-Associated Hereditary Breast and Ovarian Cancer; Hereditary breast and ovarian cancer syndrome; Hereditary breast and ovarian cancer syndrome (HBOC); Breast and ovarian cancer; Hereditary breast and/or ovarian cancer syndrome; Hereditary breast and ovarian cancer. Identifiers: Orphanet 145, MedGen C0677776, MeSH D061325, MONDO:0003582. Disease mechanism: loss of function.
Breast-ovarian cancer, familial, susceptibility to, 1 (BROVCA1). Also called: BRCA1 Hereditary Breast and Ovarian Cancer; OVARIAN CANCER, SUSCEPTIBILITY TO. Identifiers: Orphanet 145, MedGen C2676676, MONDO:0011450, OMIM 604370. Disease mechanism: loss of function.

Submissions (4):

Evidence-based Network for the Interpretation of Germline Mutant Alleles (ENIGMA)
Classification: Pathogenic for Breast-ovarian cancer, familial, susceptibility to, 1. Last evaluated: 2016-09-08. Review status: reviewed by expert panel. Criteria: ENIGMA BRCA1/2 Classification Criteria (2015). Collection method: curation. Allele origin: germline.
Comment: Variant allele predicted to encode a truncated non-functional protein.

Women's Health and Genetics/Laboratory Corporation of America, LabCorp
Classification: Pathogenic for Hereditary breast and ovarian cancer syndrome. Last evaluated: 2020-12-25. Review status: criteria provided, single submitter. Criteria: LabCorp Variant Classification Summary - May 2015. Collection method: clinical testing. Allele origin: germline. Not counted in ClinVar's aggregate classification.
Comment: Variant summary: BRCA1 c.1377_1378delAA (p.Lys459AsnfsX20) results in a premature termination codon, predicted to cause a truncation of the encoded protein or absence of the protein due to nonsense mediated decay, which are commonly known mechanisms for disease. Truncations downstream of this position have been classified as pathogenic by our laboratory. The variant was absent in 251080 control chromosomes. To our knowledge, no occurrence of c.1377_1378delAA in individuals affected with Hereditary Breast And Ovarian Cancer (HBOC) and no experimental evidence demonstrating its impact on protein function have been reported. Other loss of function variants in the vicinity of this variant have been observed in the setting of HBOC. One expert panel (ENIGMA) has submitted clinical-significance assessments for this variant to ClinVar after 2014 without evidence for independent evaluation and classified the variant as pathogenic. Based on the evidence outlined above, the variant was classified as pathogenic.

Labcorp Genetics (formerly Invitae), Labcorp
Classification: Pathogenic for Hereditary breast ovarian cancer syndrome. Last evaluated: 2020-04-11. Review status: criteria provided, single submitter. Criteria: Invitae Variant Classification Sherloc (09022015). Collection method: clinical testing. Allele origin: germline. Not counted in ClinVar's aggregate classification.
Comment: For these reasons, this variant has been classified as Pathogenic. Loss-of-function variants in BRCA1 are known to be pathogenic (PMID: 20104584). This variant has been reported in individuals in the Leiden Open-source Variation Database (PMID: 21520333). ClinVar contains an entry for this variant (Variation ID: 91550). This variant is not present in population databases (ExAC no frequency). This sequence change creates a premature translational stop signal (p.Lys459Asnfs*20) in the BRCA1 gene. It is expected to result in an absent or disrupted protein product.

Sharing Clinical Reports Project (SCRP)
Classification: Pathogenic for Breast-ovarian cancer, familial 1. Last evaluated: 2011-05-25. Review status: no assertion criteria provided. Collection method: clinical testing. Allele origin: germline. Not counted in ClinVar's aggregate classification.

Literature cited by the submitters: PubMed 20104584 (cited by Labcorp Genetics (formerly Invitae), Labcorp); PubMed 21520333 (cited by Labcorp Genetics (formerly Invitae), Labcorp).